The following is an entry in ClinVar:

ClinVar aggregate classification (germline): Likely pathogenic. Review status: reviewed by expert panel (3 of 4 stars). 3 submissions from 3 submitters: Likely pathogenic (1). 2 of the submissions do not count toward it. Last evaluated 2018-12-10.

Conditions:
Phenylketonuria (PKU). Also called: Phenylketonuria (PKU); FOLLING DISEASE; OLIGOPHRENIA PHENYLPYRUVICA; Phenylketonurias. Identifiers: Orphanet 716, MedGen C0031485, MONDO:0009861, OMIM 261600. Disease mechanism: loss of function.

Submissions (3):

ClinGen PAH Variant Curation Expert Panel
Classification: Likely pathogenic for Phenylketonuria. Last evaluated: 2018-12-10. Review status: reviewed by expert panel. Criteria: ClinGen PAH ACMG Specifications v1. Collection method: curation. Allele origin: germline. Inheritance: Autosomal recessive inheritance.
Comment: The c.739G>A (p.Gly247Ser) variant in PAH was reported in 1 patient with classical PKU, BH4 deficiency excluded. (PMID: 16256386, 25456745) It was detected with T200Nfs, (pathogenic per PAH VCEP). This variant is absent from ExAC, 1000G, gnomAD, and ESP. It is predicted deleterious in SIFT, Polyphen2, MutationTaster, and REVEL=0.981. In summary, this variant meets criteria to be classified as likely pathogenic for PAH. PAH-specific ACMG/AMP criteria applied: PM2, PP4_Moderate, PM3, PP3.

Women's Health and Genetics/Laboratory Corporation of America, LabCorp
Classification: Likely pathogenic for Phenylketonuria. Last evaluated: 2025-07-23. Review status: criteria provided, single submitter. Criteria: LabCorp Variant Classification Summary - May 2015. Collection method: clinical testing. Allele origin: germline. Not counted in ClinVar's aggregate classification.
Comment: Variant summary: PAH c.739G>A (p.Gly247Ser) results in a non-conservative amino acid change in the encoded protein sequence. Algorithms developed to predict the effect of missense changes on protein structure and function all suggest that this variant is likely to be disruptive. The variant was absent in 251226 control chromosomes. c.739G>A has been observed in compound heterozygous individuals affected with Phenylalanine Hydroxylase Deficiency (Phenylketonuria) (e.g. Song_2005, Cao_2014, Chen_2018, Hillert_2020). These data indicate that the variant may be associated with disease. Different variants affecting the same codon have been classified as likely pathogenic/pathogenic by our lab or in ClinVar (c.739G>C, p.Gly247Arg; c.740G>T, p.Gly247Val, Song_MGM_2005), supporting the critical relevance of codon 247 to PAH protein function. To our knowledge, no experimental evidence demonstrating an impact on protein function has been reported. The following publications have been ascertained in the context of this evaluation (PMID: 25456745, 30459323, 32668217, 18247293). ClinVar contains an entry for this variant (Variation ID: 102815). Based on the evidence outlined above, the variant was classified as likely pathogenic.

DeBelle Laboratory for Biochemical Genetics, MUHC/MCH RESEARCH INSTITUTE
No classification provided. Review status: no classification provided. Collection method: not provided. Allele origin: not provided. Not counted in ClinVar's aggregate classification.

Literature cited by the submitters: PubMed 16256386 (cited by ClinGen PAH Variant Curation Expert Panel); PubMed 25456745 (cited by ClinGen PAH Variant Curation Expert Panel and Women's Health and Genetics/Laboratory Corporation of America, LabCorp); PubMed 32668217 (cited by Women's Health and Genetics/Laboratory Corporation of America, LabCorp); PubMed 30459323 (cited by Women's Health and Genetics/Laboratory Corporation of America, LabCorp); PubMed 18247293 (cited by Women's Health and Genetics/Laboratory Corporation of America, LabCorp).

NM_000277.3(PAH):c.739G>A (p.Gly247Ser)

Gene: PAH (phenylalanine hydroxylase; minus strand). Cytogenetic location: 12q23.2.
Variant type: single nucleotide variant.
Coding change: c.739G>A on transcript NM_000277.3 (MANE Select); coding-DNA position 739, G replaced by A.
Protein change: p.Gly247Ser; replaces glycine 247 with serine.
Molecular consequence: missense variant.
Genome position (GRCh38, 1-based): chr12:102,852,918, C>T on the plus strand (G>A on the coding strand, the complement: PAH is on the minus strand). VCF-style: chr12-102852918-C-T. GRCh37 (hg19) VCF-style: chr12-103246696-C-T.
Other names: NM_000277.2(PAH):c.739G>A; c.739G>A, p.Gly247Ser (NM_001354304.2); short protein forms G247S.
Identifiers: ClinVar variation 102815 (VCV000102815.3), dbSNP rs62508731, ClinGen allele CA229730.